The following is an entry in ClinVar:

NM_001079843.3(CASZ1):c.2307C>T (p.Asn769=)

Gene: CASZ1 (castor zinc finger 1; minus strand). Cytogenetic location: 1p36.22.
Variant type: single nucleotide variant.
Coding change: c.2307C>T on transcript NM_001079843.3 (MANE Select); coding-DNA position 2307, C replaced by T.
Protein change: p.Asn769=; no amino-acid change (asparagine 769 retained).
Molecular consequence: synonymous variant.
Genome position (GRCh38, 1-based): chr1:10,653,750, G>A on the plus strand (C>T on the coding strand, the complement: CASZ1 is on the minus strand). VCF-style: chr1-10653750-G-A. GRCh37 (hg19) VCF-style: chr1-10713807-G-A.
Other names: c.2307C>T, p.Asn769= (NM_017766.5).
Identifiers: ClinVar variation 781646 (VCV000781646.34), dbSNP rs150385873, ClinGen allele CA584898.

ClinVar aggregate classification (germline): Benign. Review status: criteria provided, multiple submitters, no conflicts (2 of 4 stars). 3 submissions from 3 submitters: Benign (3). Last evaluated 2026-09-01.

Allele frequency attached by ClinVar (database versions not stated): 1000 Genomes Project 0.00280; 1000 Genomes Project 30x 0.00359; gnomAD exomes 0.00709 and 0.01085; ExAC 0.00738; TOPMed 0.00751; gnomAD 0.00793 and 0.00802; ESP Exome Variant Server 0.01046.

Submissions (3):

CeGaT Center for Human Genetics Tuebingen
Classification: Benign. Last evaluated: 2026-09-01. Review status: criteria provided, single submitter. Criteria: CeGaT Center For Human Genetics Tuebingen Variant Classification Criteria Version 2. Collection method: clinical testing. Allele origin: germline. Affected: yes. Observed: 20 variant alleles.
Comment: CASZ1: BP4, BP7, BS1, BS2

Labcorp Genetics (formerly Invitae), Labcorp
Classification: Benign. Last evaluated: 2026-01-21. Review status: criteria provided, single submitter. Criteria: Invitae Variant Classification Sherloc (09022015). Collection method: clinical testing. Allele origin: germline.

Breakthrough Genomics
Classification: Benign. Review status: criteria provided, single submitter. Criteria: ACMG Guidelines, 2015. Collection method: not provided. Allele origin: germline. Inheritance: Unknown mechanism. Affected: yes.